The following is an entry in ClinVar:

NR_003051.4(RMRP):n.222dup

Gene: RMRP (RNA component of mitochondrial RNA processing endoribonuclease; minus strand). Cytogenetic location: 9p13.3.
Variant type: Duplication.
Genome position: GRCh38 VCF-style: chr9-35657797-C-CA. GRCh37 (hg19) VCF-style: chr9-35657794-C-CA.
Identifiers: ClinVar variation 1514419 (VCV001514419.6), dbSNP rs2131808061, ClinGen allele CA2573144614.

ClinVar aggregate classification (germline): Uncertain significance (1 of 4 stars; one submission).

Conditions:
Anauxetic dysplasia. Identifiers: Orphanet 93347, MedGen C1846796, MONDO:0011773.

Submission:

Labcorp Genetics (formerly Invitae), Labcorp
Classification: Uncertain significance for Anauxetic dysplasia. Last evaluated: 2022-09-07. Review status: criteria provided, single submitter. Criteria: Invitae Variant Classification Sherloc (09022015). Collection method: clinical testing. Allele origin: germline.
Comment: In summary, the available evidence is currently insufficient to determine the role of this variant in disease. Therefore, it has been classified as a Variant of Uncertain Significance. Experimental studies and prediction algorithms are not available or were not evaluated, and the functional significance of this variant is currently unknown. ClinVar contains an entry for this variant (Variation ID: 1514419). This variant has not been reported in the literature in individuals affected with RMRP-related conditions. This variant is not present in population databases (gnomAD no frequency). This variant occurs in the RMRP gene, which encodes an RNA molecule that does not result in a protein product.